The following is an entry in ClinVar:

NM_001135649.3(FOXI3):c.512T>C (p.Ile171Thr)

Gene: FOXI3 (forkhead box I3; minus strand). Cytogenetic location: 2p11.2.
Variant type: single nucleotide variant.
Coding change: c.512T>C on transcript NM_001135649.3 (MANE Select); coding-DNA position 512, T replaced by C.
Protein change: p.Ile171Thr; replaces isoleucine 171 with threonine.
Molecular consequence: missense variant.
Genome position (GRCh38, 1-based): chr2:88,452,024, A>G on the plus strand (T>C on the coding strand, the complement: FOXI3 is on the minus strand). VCF-style: chr2-88452024-A-G. GRCh37 (hg19) VCF-style: chr2-88751543-A-G.
Other names: short protein forms I171T.
Identifiers: ClinVar variation 2763160 (VCV002763160.3), dbSNP rs2528916413, ClinGen allele CA347766187.

ClinVar aggregate classification (germline): Uncertain significance (1 of 4 stars; one submission).

Submission:

Labcorp Genetics (formerly Invitae), Labcorp
Classification: Uncertain significance. Last evaluated: 2023-12-07. Review status: criteria provided, single submitter. Criteria: Invitae Variant Classification Sherloc (09022015). Collection method: clinical testing. Allele origin: germline.
Comment: This sequence change replaces isoleucine, which is neutral and non-polar, with threonine, which is neutral and polar, at codon 171 of the FOXI3 protein (p.Ile171Thr). This variant is not present in population databases (gnomAD no frequency). This variant has not been reported in the literature in individuals affected with FOXI3-related conditions. Experimental studies and prediction algorithms are not available or were not evaluated, and the functional significance of this variant is currently unknown. In summary, the available evidence is currently insufficient to determine the role of this variant in disease. Therefore, it has been classified as a Variant of Uncertain Significance.